The following is an entry in ClinVar:

NM_024857.5(ATAD5):c.746G>A (p.Arg249Lys)

Gene: ATAD5 (ATPase family AAA domain containing 5; plus strand). Cytogenetic location: 17q11.2.
Variant type: single nucleotide variant.
Coding change: c.746G>A on transcript NM_024857.5 (MANE Select); coding-DNA position 746, G replaced by A.
Protein change: p.Arg249Lys; replaces arginine 249 with lysine.
Molecular consequence: missense variant.
Genome position (GRCh38, 1-based): chr17:30,834,827, G>A. VCF-style: chr17-30834827-G-A. GRCh37 (hg19) VCF-style: chr17-29161845-G-A.
Other names: short protein forms R249K.
Identifiers: ClinVar variation 3059306 (VCV003059306.2), dbSNP rs17826219, ClinGen allele CA8483522.

ClinVar aggregate classification (germline): Benign (0 of 4 stars; one submission).

Conditions:
ATAD5-related disorder. Also called: ATAD5-related condition.

Allele frequency attached by ClinVar (database versions not stated): ESP Exome Variant Server 0.09374; gnomAD 0.10468; TOPMed 0.10618; gnomAD exomes 0.11676; ExAC 0.13182; 1000 Genomes Project 30x 0.14397; 1000 Genomes Project 0.14417.
gnomAD v4.1: 186,627 of 1,613,402 alleles (12%); highest among the groups gnomAD compares: South Asian, 24%; 12,300 homozygotes.

Submission:

PreventionGenetics, part of Exact Sciences
Classification: Benign for ATAD5-related condition. Last evaluated: 2019-10-18. Review status: no assertion criteria provided. Collection method: clinical testing. Allele origin: germline.
Comment: This variant is classified as benign based on ACMG/AMP sequence variant interpretation guidelines (Richards et al. 2015 PMID: 25741868, with internal and published modifications).